The following is an entry in ClinVar:

ClinVar aggregate classification (germline): Pathogenic (1 of 4 stars; one submission).

Conditions:
Spastic paraplegia. Identifiers: MedGen C0037772, HP:0001258.

Submission:

Labcorp Genetics (formerly Invitae), Labcorp
Classification: Pathogenic for Spastic paraplegia. Last evaluated: 2022-10-17. Review status: criteria provided, single submitter. Criteria: Invitae Variant Classification Sherloc (09022015). Collection method: clinical testing. Allele origin: germline.
Comment: For these reasons, this variant has been classified as Pathogenic. This variant disrupts a region of the SACS protein in which other variant(s) (p.Asn4549Asp) have been determined to be pathogenic (PMID: 15156359, 21507954). This suggests that this is a clinically significant region of the protein, and that variants that disrupt it are likely to be disease-causing. This variant has not been reported in the literature in individuals affected with SACS-related conditions. This variant is not present in population databases (gnomAD no frequency). This sequence change creates a premature translational stop signal (p.Leu1443Hisfs*4) in the SACS gene. While this is not anticipated to result in nonsense mediated decay, it is expected to disrupt the last 3137 amino acid(s) of the SACS protein.

Literature cited by the submitters: PubMed 15156359; PubMed 21507954.

NM_014363.6(SACS):c.4328_4329del (p.Leu1443fs)

Gene: SACS (sacsin molecular chaperone; minus strand). Cytogenetic location: 13q12.12.
Variant type: Deletion.
Coding change: c.4328_4329del on transcript NM_014363.6 (MANE Select); coding-DNA positions 4328 to 4329, 2 bases deleted (TG; older notation c.4328_4329delTG).
Protein change: p.Leu1443fs; shifts the reading frame from leucine 1443.
Molecular consequence: frameshift variant.
Genome position (GRCh38, 1-based): chr13:23,339,547-23,339,548, CA deleted on the plus strand (TG on the coding strand, the reverse complement: SACS is on the minus strand). VCF-style (leftmost placement, unchanged base first): chr13-23339546-TCA-T. GRCh37 (hg19) VCF-style: chr13-23913685-TCA-T.
Other names: c.3887_3888del, p.Leu1296fs (NM_001278055.2); short protein forms L1296fs, L1443fs.
Identifiers: ClinVar variation 2054427 (VCV002054427.4), dbSNP rs2542283183, ClinGen allele CA2580086885.